The following is an entry in ClinVar:

ClinVar aggregate classification (germline): Likely pathogenic (1 of 4 stars; one submission).

Conditions:
Early-infantile DEE. Also called: Early infantile epileptic encephalopathy; Ohtahara syndrome; Early infantile epileptic encephalopathy with suppression bursts. Identifiers: Orphanet 1934, MedGen C0393706, MONDO:0800491.

Submission:

Labcorp Genetics (formerly Invitae), Labcorp
Classification: Likely pathogenic for Early-infantile DEE. Last evaluated: 2022-02-24. Review status: criteria provided, single submitter. Criteria: Invitae Variant Classification Sherloc (09022015). Collection method: clinical testing. Allele origin: germline.
Comment: Algorithms developed to predict the effect of missense changes on protein structure and function (SIFT, PolyPhen-2, Align-GVGD) all suggest that this variant is likely to be disruptive. This missense change has been observed in individual(s) with Dravet syndrome (PMID: 18930999). In at least one individual the variant was observed to be de novo. This variant is not present in population databases (gnomAD no frequency). This sequence change replaces serine, which is neutral and polar, with phenylalanine, which is neutral and non-polar, at codon 525 of the SCN1A protein (p.Ser525Phe). In summary, the currently available evidence indicates that the variant is pathogenic, but additional data are needed to prove that conclusively. Therefore, this variant has been classified as Likely Pathogenic.

Literature cited by the submitters: PubMed 18930999.

NM_001165963.4(SCN1A):c.1574C>T (p.Ser525Phe)

Gene: SCN1A (sodium voltage-gated channel alpha subunit 1; minus strand). Cytogenetic location: 2q24.3.
Variant type: single nucleotide variant.
Coding change: c.1574C>T on transcript NM_001165963.4 (MANE Select); coding-DNA position 1574, C replaced by T.
Protein change: p.Ser525Phe; replaces serine 525 with phenylalanine.
Molecular consequence: missense variant. On other transcripts: 5 prime UTR variant (1), non-coding transcript variant (1).
Genome position (GRCh38, 1-based): chr2:166,045,131, G>A on the plus strand (C>T on the coding strand, the complement: SCN1A is on the minus strand). VCF-style: chr2-166045131-G-A. GRCh37 (hg19) VCF-style: chr2-166901641-G-A.
Other names: c.1574C>T, p.Ser525Phe (NM_001165964.3, NM_001202435.3, NM_001353948.2 and 7 more transcripts); c.1571C>T, p.Ser524Phe (NM_001353954.2, NM_001353955.2, NM_001353960.2); c.-852C>T (NM_001353961.2); short protein forms S525F, S524F.
Identifiers: ClinVar variation 1447241 (VCV001447241.9), dbSNP rs1697647054, ClinGen allele CA349069299.
Genomic context (GRCh38, chr2:166,045,131, plus strand): 5'-TATGTCAATCGGTTCCCTTCAATGGAGAAGCGAAAACCTTTCCTCCTGATGCTGTCCTCA[G>A]ATTCAGATTTTTGGAATTCATCCTCATCTTTCTCTTCCCCACCAGACTGCTCTTTCTGTT-3'
Protein context (NP_001159435.1, residues 515-535): KDEDEFQKSE[Ser525Phe]EDSIRRKGFR